The following is an entry in ClinVar:

ClinVar aggregate classification (germline): Likely pathogenic (1 of 4 stars; one submission).

Submission:

Mayo Clinic Laboratories, Mayo Clinic
Classification: Likely pathogenic. Last evaluated: 2025-03-03. Review status: criteria provided, single submitter. Criteria: ACMG Guidelines, 2015. Collection method: clinical testing. Allele origin: germline. Observed: 1 variant allele.
Comment: PM2_supporting, PVS1

NM_001355436.2(SPTB):c.1183-1G>C

Gene: SPTB (spectrin beta, erythrocytic; minus strand). Cytogenetic location: 14q23.3.
Variant type: single nucleotide variant.
Coding change: c.1183-1G>C on transcript NM_001355436.2 (MANE Select); the canonical splice acceptor site of the intron before coding-DNA position 1183, G replaced by C.
Molecular consequence: splice acceptor variant.
Genome position (GRCh38, 1-based): chr14:64,796,716, C>G on the plus strand (G>C on the coding strand, the complement: SPTB is on the minus strand). VCF-style: chr14-64796716-C-G. GRCh37 (hg19) VCF-style: chr14-65263434-C-G.
Other names: p.?; c.1183-1G>C (NM_001024858.4, NM_001355437.2).
Identifiers: ClinVar variation 4541863 (VCV004541863.1).